The following is an entry in ClinVar:

NM_032242.4(PLXNA1):c.5406C>T (p.Tyr1802=)

Gene: PLXNA1 (plexin A1; plus strand). Cytogenetic location: 3q21.3.
Variant type: single nucleotide variant.
Coding change: c.5406C>T on transcript NM_032242.4 (MANE Select); coding-DNA position 5406, C replaced by T.
Protein change: p.Tyr1802=; no amino-acid change (tyrosine 1802 retained).
Molecular consequence: synonymous variant.
Genome position (GRCh38, 1-based): chr3:127,032,561, C>T. VCF-style: chr3-127032561-C-T. GRCh37 (hg19) VCF-style: chr3-126751404-C-T.
Identifiers: ClinVar variation 3047654 (VCV003047654.2), dbSNP rs375428929, ClinGen allele CA2594676.

ClinVar aggregate classification (germline): Likely benign (0 of 4 stars; one submission).

Conditions:
PLXNA1-related disorder. Also called: PLXNA1-related condition.

Allele frequency attached by ClinVar (database versions not stated): gnomAD exomes 0.00003; ESP Exome Variant Server 0.00008; gnomAD 0.00008; ExAC 0.00010; TOPMed 0.00012; 1000 Genomes Project 0.00040; 1000 Genomes Project 30x 0.00047.
gnomAD v4.1: 52 of 1,614,012 alleles (0.0032%); highest among the groups gnomAD compares: African/African-American, 0.024%; no homozygotes.

Submission:

PreventionGenetics, part of Exact Sciences
Classification: Likely benign for PLXNA1-related condition. Last evaluated: 2019-03-14. Review status: no assertion criteria provided. Collection method: clinical testing. Allele origin: germline.
Comment: This variant is classified as likely benign based on ACMG/AMP sequence variant interpretation guidelines (Richards et al. 2015 PMID: 25741868, with internal and published modifications).